The following is an entry in ClinVar:

NM_001166108.2(PALLD):c.2121A>C (p.Arg707Ser)

Genes: CBR4 (carbonyl reductase 4; minus strand), PALLD (palladin, cytoskeletal associated protein; plus strand). Cytogenetic location: 4q32.3.
Variant type: single nucleotide variant.
Coding change: c.2121A>C on transcript NM_001166108.2 (MANE Select); coding-DNA position 2121, A replaced by C.
Protein change: p.Arg707Ser; replaces arginine 707 with serine.
Molecular consequence: missense variant. On other transcripts: 5 prime UTR variant (4).
Genome position (GRCh38, 1-based): chr4:168,894,599, A>C. VCF-style: chr4-168894599-A-C. GRCh37 (hg19) VCF-style: chr4-169815750-A-C.
Other names: c.975A>C, p.Arg325Ser (NM_001166109.2); c.660A>C, p.Arg220Ser (NM_001166110.2); c.-1A>C (NM_001367567.1, NM_001367568.1, NM_001367569.1 and 1 more transcripts); c.2121A>C, p.Arg707Ser (NM_016081.4); short protein forms R220S, R325S, R707S.
Identifiers: ClinVar variation 5026258 (VCV005026258.1).

ClinVar aggregate classification (germline): Uncertain significance (1 of 4 stars; one submission).

Submission:

Ambry Genetics
Classification: Uncertain significance. Last evaluated: 2026-09-07. Review status: criteria provided, single submitter. Criteria: Ambry Variant Classification Scheme 2023. Collection method: clinical testing. Allele origin: germline.
Comment: The p.R220S variant (also known as c.660A>C), located in coding exon 3 of the PALLD gene, results from an A to C substitution at nucleotide position 660. The arginine at codon 220 is replaced by serine, an amino acid with dissimilar properties. This amino acid position is conserved. In addition, this alteration is predicted to be tolerated by in silico analysis. Based on the available evidence, the clinical significance of this variant remains unclear.